The following is an entry in ClinVar:

NM_138370.3(PKDCC):c.535G>C (p.Val179Leu)

Genes: PKDCC (protein kinase domain containing, cytoplasmic; plus strand), LOC129933566 (ATAC-STARR-seq lymphoblastoid active region 15635; plus strand). Cytogenetic location: 2p21.
Variant type: single nucleotide variant.
Coding change: c.535G>C on transcript NM_138370.3 (MANE Select); coding-DNA position 535, G replaced by C.
Protein change: p.Val179Leu; replaces valine 179 with leucine.
Molecular consequence: missense variant.
Genome position (GRCh38, 1-based): chr2:42,048,734, G>C. VCF-style: chr2-42048734-G-C. GRCh37 (hg19) VCF-style: chr2-42275874-G-C.
Other names: short protein forms V179L.
Identifiers: ClinVar variation 1525377 (VCV001525377.7), dbSNP rs1325525407, ClinGen allele CA346623374.

ClinVar aggregate classification (germline): Uncertain significance (1 of 4 stars; one submission).

Allele frequency attached by ClinVar (database versions not stated): gnomAD exomes below 0.00001 and 0.00001; gnomAD 0.00001; TOPMed 0.00001.
gnomAD v4.1: 5 of 1,571,478 alleles (0.00032%); highest among the groups gnomAD compares: African/African-American, 0.0014%; no homozygotes.

Submission:

Labcorp Genetics (formerly Invitae), Labcorp
Classification: Uncertain significance. Last evaluated: 2024-05-08. Review status: criteria provided, single submitter. Criteria: Invitae Variant Classification Sherloc (09022015). Collection method: clinical testing. Allele origin: germline.
Comment: This sequence change replaces valine, which is neutral and non-polar, with leucine, which is neutral and non-polar, at codon 179 of the PKDCC protein (p.Val179Leu). This variant is present in population databases (no rsID available, gnomAD 0.002%). This variant has not been reported in the literature in individuals affected with PKDCC-related conditions. ClinVar contains an entry for this variant (Variation ID: 1525377). An algorithm developed to predict the effect of missense changes on protein structure and function (PolyPhen-2) suggests that this variant is likely to be tolerated. In summary, the available evidence is currently insufficient to determine the role of this variant in disease. Therefore, it has been classified as a Variant of Uncertain Significance.